The following is an entry in ClinVar:

NM_000179.3(MSH6):c.2999A>T (p.Lys1000Met)

Gene: MSH6 (mutS homolog 6; plus strand). Cytogenetic location: 2p16.3.
Variant type: single nucleotide variant.
Coding change: c.2999A>T on transcript NM_000179.3 (MANE Select); coding-DNA position 2999, A replaced by T.
Protein change: p.Lys1000Met; replaces lysine 1000 with methionine.
Molecular consequence: missense variant. On other transcripts: non-coding transcript variant (5), intron variant (2).
Genome position (GRCh38, 1-based): chr2:47,800,982, A>T. VCF-style: chr2-47800982-A-T. GRCh37 (hg19) VCF-style: chr2-48028121-A-T.
Other names: c.2609A>T, p.Lys870Met (NM_001281492.2); c.2093A>T, p.Lys698Met (NM_001281493.2, NM_001281494.2, NM_001406811.1 and 6 more transcripts); c.3095A>T, p.Lys1032Met (NM_001406795.1, NM_001406802.1); c.2999A>T, p.Lys1000Met (NM_001406796.1, NM_001406798.1, NM_001406800.1 and 2 more transcripts); c.2702A>T, p.Lys901Met (NM_001406797.1, NM_001406801.1, NM_001406805.1 and 10 more transcripts); c.2474A>T, p.Lys825Met (NM_001406799.1, NM_001406806.1, NM_001406807.1); c.2921A>T, p.Lys974Met (NM_001406804.1); c.3005A>T, p.Lys1002Met (NM_001406813.1); and 4 more; short protein forms K1000M, K1002M, K1032M, K315M, K698M, K825M, K870M, K901M.
Identifiers: ClinVar variation 3230540 (VCV003230540.1), dbSNP rs2104435253, ClinGen allele CA346756395.

ClinVar aggregate classification (germline): Uncertain significance (1 of 4 stars; one submission).

Conditions:
Hereditary cancer-predisposing syndrome. Also called: Neoplastic Syndromes, Hereditary; Tumor predisposition; Hereditary neoplastic syndrome; Hereditary Cancer Syndrome. Identifiers: Orphanet 140162, MedGen C0027672, MeSH D009386, MONDO:0015356.

Submission:

Ambry Genetics
Classification: Uncertain significance for Hereditary cancer-predisposing syndrome. Last evaluated: 2023-11-18. Review status: criteria provided, single submitter. Criteria: Ambry Variant Classification Scheme 2023. Collection method: clinical testing. Allele origin: germline.
Comment: The p.K1000M variant (also known as c.2999A>T), located in coding exon 4 of the MSH6 gene, results from an A to T substitution at nucleotide position 2999. The lysine at codon 1000 is replaced by methionine, an amino acid with similar properties. This amino acid position is conserved. In addition, this alteration is predicted to be deleterious by in silico analysis. Since supporting evidence is limited at this time, the clinical significance of this alteration remains unclear.